The following is an entry in ClinVar:

ClinVar aggregate classification (germline): Pathogenic/Likely pathogenic. Review status: criteria provided, multiple submitters, no conflicts (2 of 4 stars). 6 submissions from 6 submitters: Pathogenic (4); Likely pathogenic (1). 1 of the submissions does not count toward it. Last evaluated 2026-03-24.

Conditions:
PKD2-related disorder. Also called: PKD2-related condition.
Cystic renal disease.
Polycystic kidney disease 2 (PKD2). Also called: POLYCYSTIC KIDNEY DISEASE, ADULT, TYPE II; Polycystic Kidney Disease 2, Autosomal Dominant; POLYCYSTIC KIDNEY DISEASE 2 WITH OR WITHOUT POLYCYSTIC LIVER DISEASE. Identifiers: MedGen C2751306, MONDO:0013131, OMIM 613095.
Polycystic kidney disease. Also called: Polycystic kidney dysplasia; Kidney, Polycystic. Identifiers: MedGen C0022680, MeSH D007690, MONDO:0020642, HP:0000113.

Allele frequency attached by ClinVar (database versions not stated): gnomAD exomes below 0.00001 and 0.00001.
gnomAD v4.1: 1 of 1,433,738 alleles (0.00007%); highest among the groups gnomAD compares: East Asian, 0.003%; no homozygotes.

Submissions (6):

Dasa
Classification: Pathogenic. Last evaluated: 2026-03-24. Review status: criteria provided, single submitter. Criteria: DASA Assertion Criteria. Collection method: clinical testing. Allele origin: germline.
Comment: NM_000297.4(PKD2):c.181C>T (p.Gln61*) introduces a premature termination codon leading to truncation of the protein. Loss-of-function is an established mechanism of disease for this gene. The variant has been reported in individuals with autosomal dominant polycystic kidney disease (PMID: 30989420, 34101167). It is present at low frequency in population datasets. Based on the available data, this variant is classified as pathogenic.

Genetics Laboratory, Great Ormond Street Hospital NHS Foundation Trust, North Thames Genomic Laboratory Hub
Classification: Pathogenic for Cystic renal disease. Last evaluated: 2025-09-21. Review status: criteria provided, single submitter. Criteria: ACGS Best Practice Guidelines for Variant Classification in Rare Disease 2024 v1.2. Collection method: clinical testing. Allele origin: germline. Affected: yes.
Comment: PS4_moderate, PM2_moderate, PVS1_very-strong

Victorian Clinical Genetics Services, Murdoch Childrens Research Institute
Classification: Pathogenic for Polycystic kidney disease 2. Last evaluated: 2023-07-17. Review status: criteria provided, single submitter. Criteria: ACMG Guidelines, 2015. Collection method: clinical testing. Allele origin: germline. Inheritance: Autosomal dominant inheritance. Affected: yes.
Comment: Based on the classification scheme VCGS_Germline_v1.3.4, this variant is classified as Pathogenic. Following criteria are met: 0102 - Loss of function is a known mechanism of disease in this gene and is associated with polycystic kidney disease 2 (MIM#613095). (I) 0107 - This gene is associated with autosomal dominant disease. (I) 0201 - Variant is predicted to cause nonsense-mediated decay (NMD) and loss of protein (premature termination codon is located at least 54 nucleotides upstream of the final exon-exon junction). (SP) 0251 - This variant is heterozygous. (I) 0302 - Variant is present in gnomAD <0.001 for a dominant condition (v2: 2 heterozygotes, 0 homozygotes). However, this region is poorly covered in gnomAD, making this data unreliable. (SP) 0701 - Other NMD-predicted variants comparable to the one identified in this case have very strong previous evidence for pathogenicity (DECIPHER). (SP) 0801 - This variant has strong previous evidence of pathogenicity in unrelated individuals. It has been reported in two individuals with clinical diagnoses of polycystic kidney disease and classified as likely pathogenic/pathogenic by diagnostic laboratories (ClinVar, ADPKD database, PMIDs: 30989420, 34101167). (SP) 0905 - No published segregation evidence has been identified for this variant. (I) 1007 - No published functional evidence has been identified for this variant. (I) 1208 - Inheritance information for this variant is not currently available in this individual. (I) Legend: (SP) - Supporting pathogenic, (I) - Information, (SB) - Supporting benign

Mayo Clinic Laboratories, Mayo Clinic
Classification: Likely pathogenic. Last evaluated: 2023-07-03. Review status: criteria provided, single submitter. Criteria: ACMG Guidelines, 2015. Collection method: clinical testing. Allele origin: germline. Observed: 1 variant allele.
Comment: PM2, PVS1

Blueprint Genetics
Classification: Pathogenic for PKD2-related disorders. Last evaluated: 2017-07-27. Review status: criteria provided, single submitter. Criteria: ACMG Guidelines, 2015. Collection method: clinical testing. Allele origin: germline. Affected: yes. Observed: 2 variant alleles.

Department of Pathology and Laboratory Medicine, Sinai Health System
Classification: Pathogenic for Polycystic Kidney disease. Review status: no assertion criteria provided. Collection method: clinical testing. Allele origin: unknown. Affected: yes. Study: The Canadian Open Genetics Repository (COGR). Not counted in ClinVar's aggregate classification.
Comment: The PKD2 p.Gln61X variant was not identified in the literature nor was it identified in the following databases: dbSNP, ClinVar, COGR, LOVD 3.0, or PKD1-LOVD. The variant was identified in the ADPKD Mutation Database (as definitely pathogenic) and in control databases in 1 of 80646 chromosomes at a frequency of 0.00001 (Genome Aggregation Database Feb 27, 2017); it was observed in the East Asian population in 1 of 2940 chromosomes (freq: 0.0003). The c.181C>T variant leads to a premature stop codon at position 61 which is predicted to lead to a truncated or absent protein and loss of function. Loss of function variants of the PKD2 gene are an established mechanism of disease in autosomal dominant polycystic kidney disease and is the type of variant expected to cause the disorder. In summary, based on the above information this variant meets our laboratoryâ€šÃ„Ã´s criteria to be classified as pathogenic.

Literature cited by the submitters: PubMed 30989420 (cited by 3 submitters); PubMed 34101167 (cited by 3 submitters).

NM_000297.4(PKD2):c.181C>T (p.Gln61Ter)

Genes: PKD2 (polycystin 2, transient receptor potential cation channel; plus strand), LOC129992813 (ATAC-STARR-seq lymphoblastoid silent region 15559; plus strand). Cytogenetic location: 4q22.1.
Variant type: single nucleotide variant.
Coding change: c.181C>T on transcript NM_000297.4 (MANE Select); coding-DNA position 181, C replaced by T.
Protein change: p.Gln61Ter; replaces glutamine 61 with a stop codon.
Molecular consequence: nonsense. On other transcripts: non-coding transcript variant (1).
Genome position (GRCh38, 1-based): chr4:88,007,914, C>T. VCF-style: chr4-88007914-C-T. GRCh37 (hg19) VCF-style: chr4-88929066-C-T.
Other names: p.Gln61*; short protein forms Q61*.
Identifiers: ClinVar variation 636465 (VCV000636465.7), dbSNP rs1355372474, ClinGen allele CA357625616.